The following is an entry in ClinVar:

ClinVar aggregate classification (germline): Pathogenic/Likely pathogenic. Review status: criteria provided, multiple submitters, no conflicts (2 of 4 stars). 2 submissions from 2 submitters: Pathogenic (1); Likely pathogenic (1). Last evaluated 2024-09-17.

Conditions:
Hermansky-Pudlak syndrome 3 (HPS3). Identifiers: Orphanet 231512, Orphanet 79430, MedGen C3888001, MONDO:0013555, OMIM 614072.

Submissions (2):

Myriad Genetics, Inc.
Classification: Pathogenic for Hermansky-Pudlak syndrome 3. Last evaluated: 2024-09-17. Review status: criteria provided, single submitter. Criteria: Myriad Autosomal Dominant, Autosomal Recessive and X-Linked Classification Criteria (2023). Collection method: clinical testing. Allele origin: unknown.
Comment: NM_032383.3(HPS3):c.869_870delAG(Q290Pfs*5) is expected to be pathogenic in the context of Hermansky-Pudlak syndrome, HPS3-related. This variant is predicted to lead to an abnormal or absent protein product due to the creation of a premature termination codon in HPS3, a gene where loss-of-function variants are known to be pathogenic. Please note: this variant was assessed in the context of healthy population screening.

Baylor Genetics
Classification: Likely pathogenic for Hermansky-Pudlak syndrome 3. Last evaluated: 2022-04-04. Review status: criteria provided, single submitter. Criteria: ACMG Guidelines, 2015. Collection method: clinical testing. Allele origin: unknown.

NM_032383.5(HPS3):c.869_870del (p.Gln290fs)

Gene: HPS3 (HPS3 biogenesis of lysosomal organelles complex 2 subunit 1; plus strand). Cytogenetic location: 3q24.
Variant type: Deletion.
Coding change: c.869_870del on transcript NM_032383.5 (MANE Select); coding-DNA positions 869 to 870, 2 bases deleted (AG; older notation c.869_870delAG).
Protein change: p.Gln290fs; shifts the reading frame from glutamine 290.
Molecular consequence: frameshift variant.
Genome position (GRCh38, 1-based): chr3:149,141,173-149,141,174, AG deleted. VCF-style (leftmost placement, unchanged base first): chr3-149141172-CAG-C. GRCh37 (hg19) VCF-style: chr3-148858959-CAG-C.
Other names: c.374_375del, p.Gln125fs (NM_001308258.2); short protein forms Q125fs, Q290fs.
Identifiers: ClinVar variation 2676110 (VCV002676110.2), dbSNP rs2473072847, ClinGen allele CA2695199304.